The following is an entry in ClinVar:

NM_001378120.1(MBD5):c.*5G>C

Gene: MBD5 (methyl-CpG binding domain protein 5; plus strand). Cytogenetic location: 2q23.1.
Variant type: single nucleotide variant.
Coding change: c.*5G>C on transcript NM_001378120.1 (MANE Select); 5 bases downstream of the stop codon, G replaced by C.
Molecular consequence: 3 prime UTR variant.
Genome position (GRCh38, 1-based): chr2:148,512,946, G>C. VCF-style: chr2-148512946-G-C. GRCh37 (hg19) VCF-style: chr2-149270515-G-C.
Other names: c.*5G>C (NM_018328.5, NM_018328.4).
Identifiers: ClinVar variation 1291243 (VCV001291243.4), dbSNP rs1682262158, ClinGen allele CA429384983.

ClinVar aggregate classification (germline): Likely benign. Review status: criteria provided, single submitter (1 of 4 stars). 2 submissions from 2 submitters: Likely benign (1). 1 of the submissions does not count toward it. Last evaluated 2020-03-27.

Conditions:
MBD5-related disorder. Also called: MBD5-related condition.

Allele frequency attached by ClinVar (database versions not stated): TOPMed 0.00001; gnomAD 0.00002.
gnomAD v4.1: 3 of 1,612,254 alleles (0.00019%); highest among the groups gnomAD compares: Non-Finnish European, 0.00025%; no homozygotes.

Submissions (2):

GeneDx
Classification: Likely benign. Last evaluated: 2020-03-27. Review status: criteria provided, single submitter. Criteria: GeneDx Variant Classification Process June 2021. Collection method: clinical testing. Allele origin: germline. Affected: yes.

PreventionGenetics, part of Exact Sciences
Classification: Likely benign for MBD5-related condition. Last evaluated: 2019-09-19. Review status: no assertion criteria provided. Collection method: clinical testing. Allele origin: germline. Not counted in ClinVar's aggregate classification.
Comment: This variant is classified as likely benign based on ACMG/AMP sequence variant interpretation guidelines (Richards et al. 2015 PMID: 25741868, with internal and published modifications).